The following is an entry in ClinVar:

ClinVar aggregate classification (germline): Likely pathogenic (1 of 4 stars; one submission).

Conditions:
Sotos syndrome (SOTOS). Also called: CHROMOSOME 5q35 DELETION SYNDROME; CEREBRAL GIGANTISM; Sotos' syndrome; Distinctive facial appearance, overgrowth in childhood, and learning disabilities or delayed development; SOTOS SYNDROME 1. Identifiers: Orphanet 821, MedGen C0175695, MONDO:0019349, OMIM 117550.

Submission:

Institute for Genomic Medicine (IGM) Clinical Laboratory, Nationwide Children's Hospital
Classification: Likely pathogenic for Sotos syndrome. Last evaluated: 2024-11-26. Review status: criteria provided, single submitter. Criteria: ACMG Guidelines, 2015. Collection method: clinical testing. Allele origin: germline.
Comment: This variant is predicted to result in loss of function through nonsense-mediated decay of the encoded transcript or premature truncation of the encoded protein in a gene in which loss of function is a known mechanism of disease (ACMG/AMP: PVS1; PMIDs:1552397, 15365454, 25304431, 28572261). This variant is absent from or present at an exceedingly low frequency in gnomAD, a large-scale control population database (ACMG/AMP: PM2).

Literature cited by the submitters: PubMed 1552397; PubMed 15365454; PubMed 25304431; PubMed 28572261.

NM_022455.5(NSD1):c.6454dup (p.Arg2152fs)

Gene: NSD1 (nuclear receptor binding SET domain protein 1; plus strand). Cytogenetic location: 5q35.3.
Variant type: Duplication.
Coding change: c.6454dup on transcript NM_022455.5 (MANE Select); coding-DNA position 6454, one base duplicated (C; older notation c.6454dupC).
Protein change: p.Arg2152fs; shifts the reading frame from arginine 2152.
Molecular consequence: frameshift variant.
Genome position (GRCh38, 1-based): chr5:177,292,149, C duplicated. VCF-style (leftmost placement, unchanged base first): chr5-177292148-G-GC. GRCh37 (hg19) VCF-style: chr5-176719149-G-GC.
Other names: c.5581dup, p.Arg1861fs (NM_001365684.2, NM_001409308.1, NM_172349.5); c.6454dup, p.Arg2152fs (NM_001409301.1, NM_001409302.1, NM_001409303.1); c.6034dup, p.Arg2012fs (NM_001409304.1); c.5701dup, p.Arg1901fs (NM_001409305.1); c.5692dup, p.Arg1898fs (NM_001409306.1, NM_001409307.1); c.5332dup, p.Arg1778fs (NM_001409309.1); short protein forms R1778fs, R1861fs, R1898fs, R1901fs, R2012fs, R2152fs.
Identifiers: ClinVar variation 4759306 (VCV004759306.1).